The following is an entry in ClinVar:

NM_001378454.1(ALMS1):c.7370C>T (p.Thr2457Ile)

Gene: ALMS1 (ALMS1 centrosome and basal body associated protein; plus strand). Cytogenetic location: 2p13.1.
Variant type: single nucleotide variant.
Coding change: c.7370C>T on transcript NM_001378454.1 (MANE Select); coding-DNA position 7370, C replaced by T.
Protein change: p.Thr2457Ile; replaces threonine 2457 with isoleucine.
Molecular consequence: missense variant.
Genome position (GRCh38, 1-based): chr2:73,453,897, C>T. VCF-style: chr2-73453897-C-T. GRCh37 (hg19) VCF-style: chr2-73681024-C-T.
Other names: c.7373C>T, p.Thr2458Ile (NM_015120.4); short protein forms T2457I, T2458I.
Identifiers: ClinVar variation 2451858 (VCV002451858.3), dbSNP rs45494894, ClinGen allele CA50398538.
Genomic context (GRCh38, chr2:73,453,897, plus strand): 5'-AATCAGTTTCTGATGTTCTTCTAAACTTCTTTCCATATGTTTCACCCAAGACAAGTATAA[C>T]AGATAGCAGGGAGGAAGAGGGTGTGTCAGAGAGTGAGGATGGTGGTGGTAGCAGTGTAGA-3'
Protein context (NP_001365383.1, residues 2447-2467): FPYVSPKTSI[Thr2457Ile]DSREEEGVSE

ClinVar aggregate classification (germline): Uncertain significance. Review status: criteria provided, multiple submitters, no conflicts (2 of 4 stars). 2 submissions from 2 submitters: Uncertain significance (2). Last evaluated 2024-01-03.

Conditions:
Alstrom syndrome (ALMS). Identifiers: Orphanet 64, MedGen C0268425, MONDO:0008763, OMIM 203800.
Cardiovascular phenotype. Identifiers: MedGen CN230736.

Allele frequency attached by ClinVar (database versions not stated): gnomAD exomes below 0.00001.
gnomAD v4.1: 1 of 1,614,032 alleles (0.000062%); highest among the groups gnomAD compares: African/African-American, 0.0013%; no homozygotes.

Submissions (2):

Labcorp Genetics (formerly Invitae), Labcorp
Classification: Uncertain significance for Alstrom syndrome. Last evaluated: 2024-01-03. Review status: criteria provided, single submitter. Criteria: Invitae Variant Classification Sherloc (09022015). Collection method: clinical testing. Allele origin: germline.
Comment: This sequence change replaces threonine, which is neutral and polar, with isoleucine, which is neutral and non-polar, at codon 2458 of the ALMS1 protein (p.Thr2458Ile). This variant is not present in population databases (gnomAD no frequency). This missense change has been observed in individual(s) with Alstr√∂m syndrome (PMID: 17594715). ClinVar contains an entry for this variant (Variation ID: 2451858). Algorithms developed to predict the effect of missense changes on protein structure and function output the following: SIFT: "Not Available"; PolyPhen-2: "Not Available"; Align-GVGD: "Not Available". The isoleucine amino acid residue is found in multiple mammalian species, which suggests that this missense change does not adversely affect protein function. In summary, the available evidence is currently insufficient to determine the role of this variant in disease. Therefore, it has been classified as a Variant of Uncertain Significance.

Ambry Genetics
Classification: Uncertain significance for Cardiovascular phenotype. Last evaluated: 2022-11-16. Review status: criteria provided, single submitter. Criteria: Ambry Variant Classification Scheme 2023. Collection method: clinical testing. Allele origin: germline.
Comment: The p.T2458I variant (also known as c.7373C>T), located in coding exon 8 of the ALMS1 gene, results from a C to T substitution at nucleotide position 7373. The threonine at codon 2458 is replaced by isoleucine, an amino acid with similar properties. This variant has been detected in an individual from an Alstrom syndrome cohort; however, a second variant was not identified (Marshall JD et al. Hum Mutat, 2007 Nov;28:1114-23). This amino acid position is not well conserved in available vertebrate species. In addition, this alteration is predicted to be tolerated by in silico analysis. Since supporting evidence is limited at this time, the clinical significance of this alteration remains unclear.

Literature cited by the submitters: PubMed 17594715 (cited by Labcorp Genetics (formerly Invitae), Labcorp and Ambry Genetics).